The following is an entry in ClinVar:

ClinVar aggregate classification (germline): Likely benign (1 of 4 stars; one submission).

Allele frequency attached by ClinVar (database versions not stated): gnomAD exomes 0.00003; ExAC 0.00005; TOPMed 0.00007; ESP Exome Variant Server 0.00008; gnomAD 0.00008; 1000 Genomes Project 0.00020; 1000 Genomes Project 30x 0.00031.
gnomAD v4.1: 62 of 1,612,182 alleles (0.0038%); highest among the groups gnomAD compares: African/African-American, 0.02%; no homozygotes.

Submission:

CeGaT Center for Human Genetics Tuebingen
Classification: Likely benign. Last evaluated: 2023-03-01. Review status: criteria provided, single submitter. Criteria: CeGaT Center For Human Genetics Tuebingen Variant Classification Criteria Version 2. Collection method: clinical testing. Allele origin: germline. Affected: yes. Observed: 1 variant allele.
Comment: TEX15: BP4, BP7

NM_001350162.2(TEX15):c.5934G>A (p.Ala1978=)

Gene: TEX15 (testis expressed 15, meiosis and synapsis associated; minus strand). Cytogenetic location: 8p12.
Variant type: single nucleotide variant.
Coding change: c.5934G>A on transcript NM_001350162.2 (MANE Select); coding-DNA position 5934, G replaced by A.
Protein change: p.Ala1978=; no amino-acid change (alanine 1978 retained).
Molecular consequence: synonymous variant.
Genome position (GRCh38, 1-based): chr8:30,844,233, C>T on the plus strand (G>A on the coding strand, the complement: TEX15 is on the minus strand). VCF-style: chr8-30844233-C-T. GRCh37 (hg19) VCF-style: chr8-30701749-C-T.
Other names: c.4785G>A, p.Ala1595= (NM_031271.3).
Identifiers: ClinVar variation 2658521 (VCV002658521.24), dbSNP rs375928810, ClinGen allele CA4702755.